The following is an entry in ClinVar:

ClinVar aggregate classification (germline): Pathogenic. Review status: criteria provided, single submitter (1 of 4 stars). 2 submissions from 2 submitters: Pathogenic (1). 1 of the submissions does not count toward it. Last evaluated 2026-07-01.

Conditions:
Glycogen storage disease, type II (IOPD). Also called: Pompe Disease; CARDIOMEGALIA GLYCOGENICA DIFFUSA; GLYCOGENOSIS, GENERALIZED, CARDIAC FORM; GSD II; POMPE DISEASE, INFANTILE-ONSET; GLYCOGEN STORAGE DISEASE II, INFANTILE-ONSET. Identifiers: Orphanet 365, MedGen C0017921, MONDO:0009290, OMIM 232300.

Submissions (2):

Genomenon, Inc
Classification: Pathogenic for Glycogen storage disease, type II. Last evaluated: 2026-07-01. Review status: criteria provided, single submitter. Criteria: Genomenon Sequence Variant Interpretation Standards - Updated. Collection method: curation. Allele origin: germline. Affected: yes.
Comment: GAA p.Asp409GlufsTer97 (c.1226_1227insG) is a frameshift variant that is predicted to introduce a premature termination codon and result in a truncated or absent protein product. This variant has been observed in at least one proband with a GAA-related disorder (PMID:31510962). It is absent or not present at a significant frequency in gnomAD. In conclusion, we classify GAA p.Asp409GlufsTer97 (c.1226_1227insG) as a pathogenic variant.

Department of Pediatrics, Division of Medical Genetics, Faculty of Medicine Ramathibodi Hospital, Mahidol University
Classification: Pathogenic for Glycogen storage disease, type II. Last evaluated: 2019-07-10. Review status: no assertion criteria provided. Collection method: clinical testing. Allele origin: germline. Inheritance: Autosomal recessive inheritance. Affected: yes. Observed: 1 compound heterozygote. Not counted in ClinVar's aggregate classification.
Comment: The GAA c.1226_1227insG (p.D409Gfs*95) variant results in a frameshift, and is predicted to result in truncated peptide lacking most of the catalytic domain, including the two catalytic residues (p.D518 and p.D616). The frame shift mutation allele was reported to fall into severe class A mutation. Severity of novel mutations identified was determined by a rating system as described by Kroos et al. 2008. In our study, this variant was found in combination with the p.N675del in infantile-onset Pompe disease (IOPD), which exhibited complete loss of GAA activity. Due to the potential impact of frame shift variants and along with our evidence, we interpret c.1226_1227insG (p.D409Gfs*95) variant is classified as pathogenic for Pompe disease.

Literature cited by the submitters: PubMed 31510962 (cited by Genomenon, Inc and Department of Pediatrics, Division of Medical Genetics, Faculty of Medicine Ramathibodi Hospital, Mahidol University).

NM_000152.5(GAA):c.1226_1227insG (p.Asp409fs)

Gene: GAA (alpha glucosidase; plus strand). Cytogenetic location: 17q25.3.
Variant type: Insertion.
Coding change: c.1226_1227insG on transcript NM_000152.5 (MANE Select); coding-DNA positions 1226 to 1227, G inserted.
Protein change: p.Asp409fs; shifts the reading frame from aspartic acid 409.
Molecular consequence: frameshift variant.
Genome position: GRCh38 VCF-style: chr17-80108728-A-AG. GRCh37 (hg19) VCF-style: chr17-78082527-A-AG.
Other names: c.1226_1227insG, p.Asp409fs (NM_001079803.3, NM_001079804.3); short protein forms D409fs.
Identifiers: ClinVar variation 637962 (VCV000637962.3), dbSNP rs1598578030, ClinGen allele CA915952251.